The following is an entry in ClinVar:

NM_000531.6(OTC):c.892_893del (p.Trp298fs)

Gene: OTC (ornithine transcarbamylase; plus strand). Cytogenetic location: Xp11.4.
Variant type: Deletion.
Coding change: c.892_893del on transcript NM_000531.6 (MANE Select); coding-DNA positions 892 to 893, 2 bases deleted (TG; older notation c.892_893delTG).
Protein change: p.Trp298fs; shifts the reading frame from tryptophan 298.
Molecular consequence: frameshift variant.
Genome position (GRCh38, 1-based): chrX:38,411,886-38,411,887, TG deleted. VCF-style (leftmost placement, unchanged base first): chrX-38411885-CTG-C. GRCh37 (hg19) VCF-style: chrX-38271138-CTG-C.
Other names: short protein forms W298fs.
Identifiers: ClinVar variation 97348 (VCV000097348.2), dbSNP rs72558460, ClinGen allele CA224820.

ClinVar aggregate classification (germline): Pathogenic (0 of 4 stars; one submission).

Submission:

GenMed Metabolism Lab
Classification: Pathogenic. Review status: no assertion criteria provided. Collection method: not provided. Allele origin: unknown.
ClinVar note: Converted during submission from pathogenic to Pathogenic.